The following is an entry in ClinVar:

NM_000181.4(GUSB):c.222C>T (p.Thr74=)

Gene: GUSB (glucuronidase beta; minus strand). Cytogenetic location: 7q11.21.
Variant type: single nucleotide variant.
Coding change: c.222C>T on transcript NM_000181.4 (MANE Select); coding-DNA position 222, C replaced by T.
Protein change: p.Thr74=; no amino-acid change (threonine 74 retained).
Molecular consequence: synonymous variant. On other transcripts: 5 prime UTR variant (2), non-coding transcript variant (1).
Genome position (GRCh38, 1-based): chr7:65,980,398, G>A on the plus strand (C>T on the coding strand, the complement: GUSB is on the minus strand). VCF-style: chr7-65980398-G-A. GRCh37 (hg19) VCF-style: chr7-65445385-G-A.
Other names: p.Thr74=; c.222C>T, p.Thr74= (NM_001284290.2); c.-164C>T (NM_001293104.2); c.-108C>T (NM_001293105.2).
Identifiers: ClinVar variation 528234 (VCV000528234.41), dbSNP rs140016611, ClinGen allele CA4276705.

ClinVar aggregate classification (germline): Benign/Likely benign. Review status: criteria provided, multiple submitters, no conflicts (2 of 4 stars). 7 submissions from 7 submitters: Benign (1); Likely benign (5). 1 of the submissions does not count toward it. Last evaluated 2026-06-01.

Conditions:
Mucopolysaccharidosis type 7 (MPS7). Also called: MPS VII; BETA-GLUCURONIDASE DEFICIENCY; GUSB DEFICIENCY; SLY SYNDROME. Identifiers: Orphanet 584, MedGen C0085132, MONDO:0009662, OMIM 253220.
GUSB-related disorder. Also called: GUSB-related condition.

Allele frequency attached by ClinVar (database versions not stated): TOPMed 0.00172; gnomAD 0.00182 and 0.00185; ESP Exome Variant Server 0.00208; 1000 Genomes Project 30x 0.00109; 1000 Genomes Project 0.00120.
gnomAD v4.1: 3,610 of 1,613,162 alleles (0.22%); highest among the groups gnomAD compares: Non-Finnish European, 0.27%; 11 homozygotes.

Submissions (7):

CeGaT Center for Human Genetics Tuebingen
Classification: Likely benign. Last evaluated: 2026-06-01. Review status: criteria provided, single submitter. Criteria: CeGaT Center For Human Genetics Tuebingen Variant Classification Criteria Version 2. Collection method: clinical testing. Allele origin: germline. Affected: yes. Observed: 3 variant alleles.
Comment: GUSB: BP4, BP7

Labcorp Genetics (formerly Invitae), Labcorp
Classification: Benign for Mucopolysaccharidosis type 7. Last evaluated: 2026-02-01. Review status: criteria provided, single submitter. Criteria: Invitae Variant Classification Sherloc (09022015). Collection method: clinical testing. Allele origin: germline.

Mayo Clinic Laboratories, Mayo Clinic
Classification: Likely benign. Last evaluated: 2025-03-14. Review status: criteria provided, single submitter. Criteria: ACMG Guidelines, 2015. Collection method: clinical testing. Allele origin: germline. Observed: 3 variant alleles.
Comment: BP4, BP7

Blueprint Genetics
Classification: Likely benign. Last evaluated: 2024-11-20. Review status: criteria provided, single submitter. Criteria: ACMG Guidelines, 2015. Collection method: clinical testing. Allele origin: germline.

Illumina Laboratory Services, Illumina
Classification: Likely benign for Mucopolysaccharidosis type 7. Last evaluated: 2018-01-13. Review status: criteria provided, single submitter. Criteria: ICSL Variant Classification Criteria 13 December 2019. Collection method: clinical testing. Allele origin: germline.
Comment: This variant was observed in the ICSL laboratory as part of a predisposition screen in an ostensibly healthy population. It had not been previously curated by ICSL or reported in the Human Gene Mutation Database (HGMD: prior to June 1st, 2018), and was therefore a candidate for classification through an automated scoring system. Utilizing variant allele frequency, disease prevalence and penetrance estimates, and inheritance mode, an automated score was calculated to assess if this variant is too frequent to cause the disease. Based on the score and internal cut-off values, a variant classified as likely benign is not then subjected to further curation. The score for this variant resulted in a classification of likely benign for this disease.

Breakthrough Genomics
Classification: Likely benign. Review status: criteria provided, single submitter. Criteria: ACMG Guidelines, 2015. Collection method: not provided. Allele origin: germline. Inheritance: Autosomal recessive inheritance. Affected: yes.

PreventionGenetics, part of Exact Sciences
Classification: Likely benign for GUSB-related condition. Last evaluated: 2022-03-03. Review status: no assertion criteria provided. Collection method: clinical testing. Allele origin: germline. Not counted in ClinVar's aggregate classification.
Comment: This variant is classified as likely benign based on ACMG/AMP sequence variant interpretation guidelines (Richards et al. 2015 PMID: 25741868, with internal and published modifications).